The following is an entry in ClinVar:

NM_173076.3(ABCA12):c.3240del (p.Phe1080fs)

Gene: ABCA12 (ATP binding cassette subfamily A member 12; minus strand). Cytogenetic location: 2q35.
Variant type: Deletion.
Coding change: c.3240del on transcript NM_173076.3 (MANE Select); coding-DNA position 3240, one base deleted (T; older notation c.3240delT).
Protein change: p.Phe1080fs; shifts the reading frame from phenylalanine 1080.
Molecular consequence: frameshift variant. On other transcripts: non-coding transcript variant (1).
Genome position (GRCh38, 1-based): chr2:214,997,749, A deleted on the plus strand (T on the coding strand, the reverse complement: ABCA12 is on the minus strand); the first of 3 consecutive A bases (chr2:214,997,749-214,997,751); deleting any one gives the same sequence. VCF-style (leftmost placement, unchanged base first): chr2-214997748-TA-T. GRCh37 (hg19) VCF-style: chr2-215862472-TA-T.
Other names: c.2286del, p.Phe762fs (NM_015657.4); short protein forms F762fs, F1080fs.
Identifiers: ClinVar variation 2872381 (VCV002872381.3), dbSNP rs2469277059, ClinGen allele CA2739278535.

ClinVar aggregate classification (germline): Pathogenic (1 of 4 stars; one submission).

Submission:

Labcorp Genetics (formerly Invitae), Labcorp
Classification: Pathogenic. Last evaluated: 2023-06-30. Review status: criteria provided, single submitter. Criteria: Invitae Variant Classification Sherloc (09022015). Collection method: clinical testing. Allele origin: germline.
Comment: For these reasons, this variant has been classified as Pathogenic. This variant has not been reported in the literature in individuals affected with ABCA12-related conditions. This variant is not present in population databases (gnomAD no frequency). This sequence change creates a premature translational stop signal (p.Phe1080Leufs*2) in the ABCA12 gene. It is expected to result in an absent or disrupted protein product. Loss-of-function variants in ABCA12 are known to be pathogenic (PMID: 20672373).

Literature cited by the submitters: PubMed 20672373.